The following is an entry in ClinVar:

ClinVar aggregate classification (germline): Uncertain significance (1 of 4 stars; one submission).

Submission:

Labcorp Genetics (formerly Invitae), Labcorp
Classification: Uncertain significance. Last evaluated: 2023-12-10. Review status: criteria provided, single submitter. Criteria: Invitae Variant Classification Sherloc (09022015). Collection method: clinical testing. Allele origin: germline.
Comment: This sequence change replaces glutamic acid, which is acidic and polar, with glutamine, which is neutral and polar, at codon 198 of the IRF9 protein (p.Glu198Gln). This variant is not present in population databases (gnomAD no frequency). This variant has not been reported in the literature in individuals affected with IRF9-related conditions. An algorithm developed to predict the effect of missense changes on protein structure and function (PolyPhen-2) suggests that this variant is likely to be tolerated. In summary, the available evidence is currently insufficient to determine the role of this variant in disease. Therefore, it has been classified as a Variant of Uncertain Significance.

NM_006084.5(IRF9):c.592G>C (p.Glu198Gln)

Gene: IRF9 (interferon regulatory factor 9; plus strand). Cytogenetic location: 14q12.
Variant type: single nucleotide variant.
Coding change: c.592G>C on transcript NM_006084.5 (MANE Select); coding-DNA position 592, G replaced by C.
Protein change: p.Glu198Gln; replaces glutamic acid 198 with glutamine.
Molecular consequence: missense variant.
Genome position (GRCh38, 1-based): chr14:24,164,077, G>C. VCF-style: chr14-24164077-G-C. GRCh37 (hg19) VCF-style: chr14-24633286-G-C.
Other names: c.592G>C, p.Glu198Gln (NM_001385400.1, NM_001385401.1, NM_001385402.1); short protein forms E198Q.
Identifiers: ClinVar variation 2701958 (VCV002701958.3), dbSNP rs1160369224, ClinGen allele CA389205698.
Genomic context (GRCh38, chr14:24,164,077, plus strand): 5'-TCCCCAGTCCCACTCTGAATGACCAGTGCCTTTGCTTCCCTTCCAGTTACAGACACAACT[G>C]AGGCCCCCTTTCAAGGGGATCAGAGGTCCCTGGAGTTTCTGCTTCCTCCAGAGCCAGGTA-3'
Protein context (NP_006075.3, residues 188-208): PEPQEVTDTT[Glu198Gln]APFQGDQRSL